The following is an entry in ClinVar:

NM_005120.3(MED12):c.3109A>G (p.Thr1037Ala)

Gene: MED12 (mediator complex subunit 12; plus strand). Cytogenetic location: Xq13.1.
Variant type: single nucleotide variant.
Coding change: c.3109A>G on transcript NM_005120.3 (MANE Select); coding-DNA position 3109, A replaced by G.
Protein change: p.Thr1037Ala; replaces threonine 1037 with alanine.
Molecular consequence: missense variant.
Genome position (GRCh38, 1-based): chrX:71,128,020, A>G. VCF-style: chrX-71128020-A-G. GRCh37 (hg19) VCF-style: chrX-70347870-A-G.
Other names: short protein forms T1037A.
Identifiers: ClinVar variation 1506709 (VCV001506709.6), dbSNP rs2147800946, ClinGen allele CA413517438.
Genomic context (GRCh38, chrX:71,128,020, plus strand): 5'-TGGGCACCTGAGTTCATGATCGACACTCTAGAGAACCCTGCAGCTCACACCTTCACCTAC[A>G]CGGGGCTAGGCAAGAGTCTTAGTGAGAACCCTGCTAACCGCTACAGCTTTGTCTGCAATG-3'
Protein context (NP_005111.2, residues 1027-1047): ENPAAHTFTY[Thr1037Ala]GLGKSLSENP

ClinVar aggregate classification (germline): Uncertain significance (1 of 4 stars; one submission).

Conditions:
FG syndrome (FGS). Identifiers: MedGen C0220769, MONDO:0002010.

Submission:

Labcorp Genetics (formerly Invitae), Labcorp
Classification: Uncertain significance for FG syndrome. Last evaluated: 2023-10-03. Review status: criteria provided, single submitter. Criteria: Invitae Variant Classification Sherloc (09022015). Collection method: clinical testing. Allele origin: germline.
Comment: This sequence change replaces threonine, which is neutral and polar, with alanine, which is neutral and non-polar, at codon 1037 of the MED12 protein (p.Thr1037Ala). This variant is not present in population databases (gnomAD no frequency). This variant has not been reported in the literature in individuals affected with MED12-related conditions. ClinVar contains an entry for this variant (Variation ID: 1506709). Advanced modeling of protein sequence and biophysical properties (such as structural, functional, and spatial information, amino acid conservation, physicochemical variation, residue mobility, and thermodynamic stability) performed at Invitae indicates that this missense variant is not expected to disrupt MED12 protein function. In summary, the available evidence is currently insufficient to determine the role of this variant in disease. Therefore, it has been classified as a Variant of Uncertain Significance.